The following is an entry in ClinVar:

ClinVar aggregate classification (germline): Likely pathogenic (1 of 4 stars; one submission).

Conditions:
Familial cancer of breast. Also called: hereditary breast carcinoma; BREAST CANCER, FAMILIAL; Hereditary breast cancer. Identifiers: Orphanet 227535, MedGen C0346153, MONDO:0016419, OMIM 114480. Disease mechanism: loss of function.

Submission:

Myriad Genetics, Inc.
Classification: Likely pathogenic for Familial cancer of breast. Last evaluated: 2024-01-30. Review status: criteria provided, single submitter. Criteria: Myriad Autosomal Dominant, Autosomal Recessive and X-Linked Classification Criteria (2023). Collection method: clinical testing. Allele origin: unknown.
Comment: This variant is considered likely pathogenic. This variant occurs within a consensus splice junction and is predicted to result in abnormal mRNA splicing of either an out-of-frame exon or an in-frame exon necessary for protein stability and/or normal function.

NM_000051.4(ATM):c.6572+1G>C

Genes: ATM (ATM serine/threonine kinase; plus strand), C11orf65 (chromosome 11 open reading frame 65; minus strand). Cytogenetic location: 11q22.3.
Variant type: single nucleotide variant.
Coding change: c.6572+1G>C on transcript NM_000051.4 (MANE Select); the canonical splice donor site of the intron after coding-DNA position 6572, G replaced by C.
Molecular consequence: splice donor variant. On other transcripts: intron variant (2).
Genome position (GRCh38, 1-based): chr11:108,321,421, G>C. VCF-style: chr11-108321421-G-C. GRCh37 (hg19) VCF-style: chr11-108192148-G-C.
Other names: c.6572+1G>C (NM_001351834.2); c.641-12350C>G (NM_001330368.2); c.*39-12350C>G (NM_001351110.2).
Identifiers: ClinVar variation 3148025 (VCV003148025.1), dbSNP rs587779856, ClinGen allele CA382554456.